The following is an entry in ClinVar:

NM_001083962.2(TCF4):c.1952C>A (p.Pro651His)

Gene: TCF4 (transcription factor 4; minus strand). Cytogenetic location: 18q21.2.
Variant type: single nucleotide variant.
Coding change: c.1952C>A on transcript NM_001083962.2 (MANE Select); coding-DNA position 1952, C replaced by A.
Protein change: p.Pro651His; replaces proline 651 with histidine.
Molecular consequence: missense variant.
Genome position (GRCh38, 1-based): chr18:55,228,289, G>T on the plus strand (C>A on the coding strand, the complement: TCF4 is on the minus strand). VCF-style: chr18-55228289-G-T. GRCh37 (hg19) VCF-style: chr18-52895520-G-T.
Other names: c.2258C>A, p.Pro753His (NM_001243226.3); c.1880C>A, p.Pro627His (NM_001243227.2, NM_001348217.1, NM_001348218.2 and 1 more transcripts); c.1970C>A, p.Pro657His (NM_001243228.2); c.1931C>A, p.Pro644His (NM_001243230.2); c.1814C>A, p.Pro605His (NM_001243231.2); c.1739C>A, p.Pro580His (NM_001243232.1); c.1550C>A, p.Pro517His (NM_001243233.2, NM_001348212.2); c.1472C>A, p.Pro491His (NM_001243234.2, NM_001348216.2); and 14 more; short protein forms P487H, P517H, P609H, P622H, P626H, P644H, P646H, P647H.
Identifiers: ClinVar variation 889419 (VCV000889419.8), dbSNP rs148802110, ClinGen allele CA402527663.

ClinVar aggregate classification (germline): Uncertain significance. Review status: criteria provided, multiple submitters, no conflicts (2 of 4 stars). 3 submissions from 3 submitters: Uncertain significance (3). Last evaluated 2025-04-30.

Conditions:
Pitt-Hopkins syndrome (PTHS). Also called: ENCEPHALOPATHY, SEVERE EPILEPTIC, WITH AUTONOMIC DYSFUNCTION; MENTAL RETARDATION, SYNDROMAL, WITH INTERMITTENT HYPERVENTILATION. Identifiers: Orphanet 2896, MedGen C1970431, MONDO:0012589, OMIM 610954.

Allele frequency attached by ClinVar (database versions not stated): TOPMed 0.00001.
gnomAD v4.1: 2 of 1,613,988 alleles (0.00012%); highest among the groups gnomAD compares: African/African-American, 0.0013%; no homozygotes.

Submissions (3):

GeneDx
Classification: Uncertain significance. Last evaluated: 2025-04-30. Review status: criteria provided, single submitter. Criteria: GeneDx Variant Classification Process June 2021. Collection method: clinical testing. Allele origin: germline. Affected: yes.
Comment: Not observed at significant frequency in large population cohorts (gnomAD); In silico analysis supports that this missense variant has a deleterious effect on protein structure/function; Has not been previously published as pathogenic or benign to our knowledge

Labcorp Genetics (formerly Invitae), Labcorp
Classification: Uncertain significance for Pitt-Hopkins syndrome. Last evaluated: 2023-03-09. Review status: criteria provided, single submitter. Criteria: Invitae Variant Classification Sherloc (09022015). Collection method: clinical testing. Allele origin: germline.
Comment: This sequence change replaces proline, which is neutral and non-polar, with histidine, which is basic and polar, at codon 651 of the TCF4 protein (p.Pro651His). This variant is not present in population databases (gnomAD no frequency). This variant has not been reported in the literature in individuals affected with TCF4-related conditions. ClinVar contains an entry for this variant (Variation ID: 889419). Advanced modeling of protein sequence and biophysical properties (such as structural, functional, and spatial information, amino acid conservation, physicochemical variation, residue mobility, and thermodynamic stability) performed at Invitae indicates that this missense variant is not expected to disrupt TCF4 protein function. In summary, the available evidence is currently insufficient to determine the role of this variant in disease. Therefore, it has been classified as a Variant of Uncertain Significance.

Illumina Laboratory Services, Illumina
Classification: Uncertain significance for Pitt-Hopkins syndrome. Last evaluated: 2017-04-28. Review status: criteria provided, single submitter. Criteria: ICSL Variant Classification Criteria 13 December 2019. Collection method: clinical testing. Allele origin: germline.